The following is an entry in ClinVar:

NM_006059.4(LAMC3):c.932G>A (p.Arg311His)

Gene: LAMC3 (laminin subunit gamma 3; plus strand). Cytogenetic location: 9q34.12.
Variant type: single nucleotide variant.
Coding change: c.932G>A on transcript NM_006059.4 (MANE Select); coding-DNA position 932, G replaced by A.
Protein change: p.Arg311His; replaces arginine 311 with histidine.
Molecular consequence: missense variant.
Genome position (GRCh38, 1-based): chr9:131,036,288, G>A. VCF-style: chr9-131036288-G-A. GRCh37 (hg19) VCF-style: chr9-133911675-G-A.
Other names: c.932G>A (NM_006059.3); short protein forms R311H.
Identifiers: ClinVar variation 1465650 (VCV001465650.4), dbSNP rs767954158, ClinGen allele CA5286868.
Genomic context (GRCh38, chr9:131,036,288, plus strand): 5'-GGTGCCAGCACAACACCACCGGCACAGACTGTGAGCGCTGCCTGCCCTTCTTCCAGGACC[G>A]CCCGTGGGCCCGGGGCACCGCCGAGGCTGCCCACGAGTGTCTGCGTGAGTGTCTGAGTGT-3'
Protein context (NP_006050.3, residues 301-321): CERCLPFFQD[Arg311His]PWARGTAEAA

ClinVar aggregate classification (germline): Uncertain significance. Review status: criteria provided, multiple submitters, no conflicts (2 of 4 stars). 2 submissions from 2 submitters: Uncertain significance (2). Last evaluated 2022-07-17.

Conditions:
Inborn genetic diseases. Identifiers: MedGen C0950123, MeSH D030342.

Allele frequency attached by ClinVar (database versions not stated): ExAC 0.00002; gnomAD exomes 0.00002.
gnomAD v4.1: 24 of 1,613,140 alleles (0.0015%); highest among the groups gnomAD compares: East Asian, 0.025%; no homozygotes.

Submissions (2):

Labcorp Genetics (formerly Invitae), Labcorp
Classification: Uncertain significance. Last evaluated: 2022-07-17. Review status: criteria provided, single submitter. Criteria: Invitae Variant Classification Sherloc (09022015). Collection method: clinical testing. Allele origin: germline.
Comment: This sequence change replaces arginine, which is basic and polar, with histidine, which is basic and polar, at codon 311 of the LAMC3 protein (p.Arg311His). This variant is present in population databases (rs767954158, gnomAD 0.02%). This variant has not been reported in the literature in individuals affected with LAMC3-related conditions. ClinVar contains an entry for this variant (Variation ID: 1465650). Algorithms developed to predict the effect of missense changes on protein structure and function are either unavailable or do not agree on the potential impact of this missense change (SIFT: "Tolerated"; PolyPhen-2: "Probably Damaging"; Align-GVGD: "Class C0"). In summary, the available evidence is currently insufficient to determine the role of this variant in disease. Therefore, it has been classified as a Variant of Uncertain Significance.

Ambry Genetics
Classification: Uncertain significance for Inborn genetic diseases. Last evaluated: 2021-09-17. Review status: criteria provided, single submitter. Criteria: Ambry Variant Classification Scheme 2023. Collection method: clinical testing. Allele origin: germline.